The following is an entry in ClinVar:

ClinVar aggregate classification (germline): Uncertain significance (1 of 4 stars; one submission).

Submission:

GeneDx
Classification: Uncertain significance. Last evaluated: 2019-10-17. Review status: criteria provided, single submitter. Criteria: GeneDx Variant Classification Process June 2021. Collection method: clinical testing. Allele origin: germline. Affected: yes.
Comment: Not observed in large population cohorts (Lek et al., 2016); In-frame deletion of 1 amino acid in a non-repeat region; In silico analysis, which includes protein predictors and evolutionary conservation, supports a deleterious effect; Has not been previously published as pathogenic or benign to our knowledge

NM_006079.5(CITED2):c.682_684del (p.Leu228del)

Gene: CITED2 (Cbp/p300 interacting transactivator with Glu/Asp rich carboxy-terminal domain 2; minus strand). Cytogenetic location: 6q24.1.
Variant type: Deletion.
Coding change: c.682_684del on transcript NM_006079.5 (MANE Select); coding-DNA positions 682 to 684, 3 bases deleted (CTT; older notation c.682_684delCTT).
Protein change: p.Leu228del; deletes leucine 228.
Molecular consequence: inframe deletion.
Genome position (GRCh38, 1-based): chr6:139,373,261-139,373,263, AAG deleted on the plus strand (CTT on the coding strand, the reverse complement: CITED2 is on the minus strand); deleting any 3 consecutive bases within chr6:139,373,261-139,373,265 gives the same sequence; the c. name uses the placement nearest the transcript's 3' end. VCF-style (leftmost placement, unchanged base first): chr6-139373260-TAAG-T. GRCh37 (hg19) VCF-style: chr6-139694397-TAAG-T.
Other names: c.682_684del, p.Leu228del (NM_001168388.3); c.697_699del, p.Leu233del (NM_001168389.3); short protein forms L228del, L233del.
Identifiers: ClinVar variation 1309282 (VCV001309282.2), dbSNP rs2114776887, ClinGen allele CA2573052609.